The following is an entry in ClinVar:

ClinVar aggregate classification (germline): Conflicting classifications of pathogenicity. Review status: criteria provided, conflicting classifications (1 of 4 stars). 4 submissions from 4 submitters: Uncertain significance (1); Likely benign (2). 1 of the submissions does not count toward it. Last evaluated 2026-01-28.

Conditions:
CRB2-related disorder. Also called: CRB2-related condition; CRB2-related disorders.
Inborn genetic diseases. Identifiers: MedGen C0950123, MeSH D030342.

Allele frequency attached by ClinVar (database versions not stated): gnomAD exomes 0.00025; ExAC 0.00033; ESP Exome Variant Server 0.00069; gnomAD 0.00074 and 0.00079; 1000 Genomes Project 0.00080; TOPMed 0.00101; 1000 Genomes Project 30x 0.00109.
gnomAD v4.1: 241 of 1,614,020 alleles (0.015%); highest among the groups gnomAD compares: African/African-American, 0.27%; 1 homozygote.

Submissions (4):

Labcorp Genetics (formerly Invitae), Labcorp
Classification: Likely benign. Last evaluated: 2026-01-28. Review status: criteria provided, single submitter. Criteria: Invitae Variant Classification Sherloc (09022015). Collection method: clinical testing. Allele origin: germline.

Mayo Clinic Laboratories, Mayo Clinic
Classification: Uncertain significance. Last evaluated: 2023-03-31. Review status: criteria provided, single submitter. Criteria: ACMG Guidelines, 2015. Collection method: clinical testing. Allele origin: germline. Observed: 2 variant alleles.
Comment: BS1

Ambry Genetics
Classification: Likely benign for Inborn genetic diseases. Last evaluated: 2022-05-20. Review status: criteria provided, single submitter. Criteria: Ambry Variant Classification Scheme 2023. Collection method: clinical testing. Allele origin: germline.

PreventionGenetics, part of Exact Sciences
Classification: Likely benign for CRB2-related condition. Last evaluated: 2021-09-13. Review status: no assertion criteria provided. Collection method: clinical testing. Allele origin: germline. Not counted in ClinVar's aggregate classification.
Comment: This variant is classified as likely benign based on ACMG/AMP sequence variant interpretation guidelines (Richards et al. 2015 PMID: 25741868, with internal and published modifications).

Literature cited by the submitters: PubMed 26795916 (cited by Mayo Clinic Laboratories, Mayo Clinic).

NM_173689.7(CRB2):c.2519C>G (p.Pro840Arg)

Gene: CRB2 (crumbs cell polarity complex component 2; plus strand). Cytogenetic location: 9q33.3.
Variant type: single nucleotide variant.
Coding change: c.2519C>G on transcript NM_173689.7 (MANE Select); coding-DNA position 2519, C replaced by G.
Protein change: p.Pro840Arg; replaces proline 840 with arginine.
Molecular consequence: missense variant. On other transcripts: non-coding transcript variant (1).
Genome position (GRCh38, 1-based): chr9:123,372,259, C>G. VCF-style: chr9-123372259-C-G. GRCh37 (hg19) VCF-style: chr9-126134538-C-G.
Other names: p.Pro840Arg; c.2519C>G (NM_173689.5, NM_173689.6); short protein forms P840R.
Identifiers: ClinVar variation 1642785 (VCV001642785.12), dbSNP rs61740212, ClinGen allele CA5232241.